The following is an entry in ClinVar:

NM_173491.4(LSM11):c.990G>A (p.Lys330=)

Gene: LSM11 (LSM11, U7 small nuclear RNA associated; plus strand). Cytogenetic location: 5q33.3.
Variant type: single nucleotide variant.
Coding change: c.990G>A on transcript NM_173491.4 (MANE Select); coding-DNA position 990, G replaced by A.
Protein change: p.Lys330=; no amino-acid change (lysine 330 retained).
Molecular consequence: synonymous variant.
Genome position (GRCh38, 1-based): chr5:157,755,171, G>A. VCF-style: chr5-157755171-G-A. GRCh37 (hg19) VCF-style: chr5-157182179-G-A.
Identifiers: ClinVar variation 3905398 (VCV003905398.10).

ClinVar aggregate classification (germline): Uncertain significance (1 of 4 stars; one submission).

gnomAD v4.1: 507 of 1,614,070 alleles (0.031%); highest among the groups gnomAD compares: Non-Finnish European, 0.041%; no homozygotes.

Submission:

CeGaT Center for Human Genetics Tuebingen
Classification: Uncertain significance. Last evaluated: 2025-03-01. Review status: criteria provided, single submitter. Criteria: CeGaT Center For Human Genetics Tuebingen Variant Classification Criteria Version 2. Collection method: clinical testing. Allele origin: germline. Affected: yes. Observed: 1 variant allele.
Comment: LSM11: PM2:Supporting, BP4